The following is an entry in ClinVar:

NM_006922.4(SCN3A):c.4595T>A (p.Ile1532Asn)

Gene: SCN3A (sodium voltage-gated channel alpha subunit 3; minus strand). Cytogenetic location: 2q24.3.
Variant type: single nucleotide variant.
Coding change: c.4595T>A on transcript NM_006922.4 (MANE Select); coding-DNA position 4595, T replaced by A.
Protein change: p.Ile1532Asn; replaces isoleucine 1532 with asparagine.
Molecular consequence: missense variant.
Genome position (GRCh38, 1-based): chr2:165,092,466, A>T on the plus strand (T>A on the coding strand, the complement: SCN3A is on the minus strand). VCF-style: chr2-165092466-A-T. GRCh37 (hg19) VCF-style: chr2-165948976-A-T.
Other names: c.4448T>A, p.Ile1483Asn (NM_001081676.2, NM_001081677.2); short protein forms I1483N, I1532N.
Identifiers: ClinVar variation 2808829 (VCV002808829.3), dbSNP rs2468047828, ClinGen allele CA349019263.

ClinVar aggregate classification (germline): Uncertain significance (1 of 4 stars; one submission).

Submission:

Labcorp Genetics (formerly Invitae), Labcorp
Classification: Uncertain significance. Last evaluated: 2022-11-01. Review status: criteria provided, single submitter. Criteria: Invitae Variant Classification Sherloc (09022015). Collection method: clinical testing. Allele origin: germline.
Comment: This sequence change replaces isoleucine, which is neutral and non-polar, with asparagine, which is neutral and polar, at codon 1532 of the SCN3A protein (p.Ile1532Asn). This variant is not present in population databases (gnomAD no frequency). This variant has not been reported in the literature in individuals affected with SCN3A-related conditions. Advanced modeling of protein sequence and biophysical properties (such as structural, functional, and spatial information, amino acid conservation, physicochemical variation, residue mobility, and thermodynamic stability) has been performed at Invitae for this missense variant, however the output from this modeling did not meet the statistical confidence thresholds required to predict the impact of this variant on SCN3A protein function. In summary, the available evidence is currently insufficient to determine the role of this variant in disease. Therefore, it has been classified as a Variant of Uncertain Significance.